The following is an entry in ClinVar:

NM_001372.4(DNAH9):c.7582G>A (p.Ala2528Thr)

Gene: DNAH9 (dynein axonemal heavy chain 9; plus strand). Cytogenetic location: 17p12.
Variant type: single nucleotide variant.
Coding change: c.7582G>A on transcript NM_001372.4 (MANE Select); coding-DNA position 7582, G replaced by A.
Protein change: p.Ala2528Thr; replaces alanine 2528 with threonine.
Molecular consequence: missense variant.
Genome position (GRCh38, 1-based): chr17:11,781,038, G>A. VCF-style: chr17-11781038-G-A. GRCh37 (hg19) VCF-style: chr17-11684355-G-A.
Other names: short protein forms A2528T.
Identifiers: ClinVar variation 2005818 (VCV002005818.4), dbSNP rs2544631680, ClinGen allele CA398190947.

ClinVar aggregate classification (germline): Uncertain significance (1 of 4 stars; one submission).

Allele frequency attached by ClinVar (database versions not stated): gnomAD exomes below 0.00001.
gnomAD v4.1: 1 of 1,614,108 alleles (0.000062%); highest among the groups gnomAD compares: Non-Finnish European, 0.000085%; no homozygotes.

Submission:

Labcorp Genetics (formerly Invitae), Labcorp
Classification: Uncertain significance. Last evaluated: 2022-07-28. Review status: criteria provided, single submitter. Criteria: Invitae Variant Classification Sherloc (09022015). Collection method: clinical testing. Allele origin: germline.
Comment: In summary, the available evidence is currently insufficient to determine the role of this variant in disease. Therefore, it has been classified as a Variant of Uncertain Significance. Algorithms developed to predict the effect of missense changes on protein structure and function (SIFT, PolyPhen-2, Align-GVGD) all suggest that this variant is likely to be tolerated. This variant has not been reported in the literature in individuals affected with DNAH9-related conditions. This variant is not present in population databases (gnomAD no frequency). This sequence change replaces alanine, which is neutral and non-polar, with threonine, which is neutral and polar, at codon 2528 of the DNAH9 protein (p.Ala2528Thr).